The following is an entry in ClinVar:

NM_004370.6(COL12A1):c.1489T>C (p.Phe497Leu)

Gene: COL12A1 (collagen type XII alpha 1 chain; minus strand). Cytogenetic location: 6q13.
Variant type: single nucleotide variant.
Coding change: c.1489T>C on transcript NM_004370.6 (MANE Select); coding-DNA position 1489, T replaced by C.
Protein change: p.Phe497Leu; replaces phenylalanine 497 with leucine.
Molecular consequence: missense variant. On other transcripts: intron variant (2).
Genome position (GRCh38, 1-based): chr6:75,183,452, A>G on the plus strand (T>C on the coding strand, the complement: COL12A1 is on the minus strand). VCF-style: chr6-75183452-A-G. GRCh37 (hg19) VCF-style: chr6-75893168-A-G.
Other names: c.1489T>C, p.Phe497Leu (NM_001424113.1, NM_001424114.1, NM_001424115.1); c.73+19268T>C (NM_001424116.1, NM_080645.3); short protein forms F497L.
Identifiers: ClinVar variation 2950678 (VCV002950678.3), dbSNP rs1769434215, ClinGen allele CA364769982.

ClinVar aggregate classification (germline): Uncertain significance (1 of 4 stars; one submission).

Conditions:
Ullrich congenital muscular dystrophy 2 (UCMD2). Identifiers: Orphanet 75840, MedGen C4225314, MONDO:0014654, OMIM 616470.
Bethlem myopathy 2 (BTHLM2). Identifiers: Orphanet 536516, Orphanet 610, MedGen C4225313, MONDO:0034022, OMIM 616471.

Submission:

Labcorp Genetics (formerly Invitae), Labcorp
Classification: Uncertain significance for Bethlem myopathy 2; Ullrich congenital muscular dystrophy 2. Last evaluated: 2023-08-04. Review status: criteria provided, single submitter. Criteria: Invitae Variant Classification Sherloc (09022015). Collection method: clinical testing. Allele origin: germline.
Comment: This sequence change replaces phenylalanine, which is neutral and non-polar, with leucine, which is neutral and non-polar, at codon 497 of the COL12A1 protein (p.Phe497Leu). This variant is not present in population databases (gnomAD no frequency). This variant has not been reported in the literature in individuals affected with COL12A1-related conditions. Advanced modeling of protein sequence and biophysical properties (such as structural, functional, and spatial information, amino acid conservation, physicochemical variation, residue mobility, and thermodynamic stability) performed at Invitae indicates that this missense variant is not expected to disrupt COL12A1 protein function. In summary, the available evidence is currently insufficient to determine the role of this variant in disease. Therefore, it has been classified as a Variant of Uncertain Significance.